The following is an entry in ClinVar:

ClinVar aggregate classification (germline): Pathogenic. Review status: criteria provided, single submitter (1 of 4 stars). 2 submissions from 2 submitters: Pathogenic (1). 1 of the submissions does not count toward it. Last evaluated 2023-09-15.

Conditions:
Xeroderma pigmentosum variant type. Also called: PHOTOSENSITIVITY WITH DEFECTIVE DNA SYNTHESIS; XERODERMA PIGMENTOSUM WITH NORMAL DNA REPAIR RATES; POLH-Related Xeroderma Pigmentosum. Identifiers: Orphanet 90342, MedGen C1848410, MONDO:0010214, OMIM 278750.

Allele frequency attached by ClinVar (database versions not stated): gnomAD exomes below 0.00001; TOPMed below 0.00001.
gnomAD v4.1: 1 of 1,614,036 alleles (0.000062%); highest among the groups gnomAD compares: Non-Finnish European, 0.000085%; no homozygotes.

Submissions (2):

Labcorp Genetics (formerly Invitae), Labcorp
Classification: Pathogenic. Last evaluated: 2023-09-15. Review status: criteria provided, single submitter. Criteria: Invitae Variant Classification Sherloc (09022015). Collection method: clinical testing. Allele origin: germline.
Comment: This sequence change creates a premature translational stop signal (p.Gln126*) in the POLH gene. It is expected to result in an absent or disrupted protein product. Loss-of-function variants in POLH are known to be pathogenic (PMID: 11773631, 24130121, 25256075). This variant is present in population databases (rs121908563, gnomAD 0.0009%). This premature translational stop signal has been observed in individual(s) with xeroderma pigmentosum (Invitae). ClinVar contains an entry for this variant (Variation ID: 5889). For these reasons, this variant has been classified as Pathogenic.

OMIM
Classification: Pathogenic for XERODERMA PIGMENTOSUM, VARIANT TYPE. Last evaluated: 1999-07-09. Review status: no assertion criteria provided. Collection method: literature only. Allele origin: germline. Not counted in ClinVar's aggregate classification.

Literature cited by the submitters: PubMed 11773631 (cited by Labcorp Genetics (formerly Invitae), Labcorp); PubMed 24130121 (cited by Labcorp Genetics (formerly Invitae), Labcorp); PubMed 25256075 (cited by Labcorp Genetics (formerly Invitae), Labcorp); PubMed 10398605 (cited by OMIM).

NM_006502.3(POLH):c.376C>T (p.Gln126Ter)

Gene: POLH (DNA polymerase eta; plus strand). Cytogenetic location: 6p21.1.
Variant type: single nucleotide variant.
Coding change: c.376C>T on transcript NM_006502.3 (MANE Select); coding-DNA position 376, C replaced by T.
Protein change: p.Gln126Ter; replaces glutamine 126 with a stop codon.
Molecular consequence: nonsense. On other transcripts: intron variant (1).
Genome position (GRCh38, 1-based): chr6:43,587,375, C>T. VCF-style: chr6-43587375-C-T. GRCh37 (hg19) VCF-style: chr6-43555112-C-T.
Other names: V125*; c.376C>T, p.Gln126Ter (NM_001291970.2); c.118+4234C>T (NM_001291969.2); short protein forms Q126*.
Identifiers: ClinVar variation 5889 (VCV000005889.6), dbSNP rs121908563, ClinGen allele CA253641.
Genomic context (GRCh38, chr6:43,587,375, plus strand): 5'-TTTGCTGTGATTGAACGTGCCAGCATTGATGAGGCTTACGTAGATCTGACCAGTGCTGTA[C>T]AAGAGAGACTACAAAAGCTACAAGGTCAGCCTATCTCGGCAGACTTGTTGCCAAGCACTT-3'